The following is an entry in ClinVar:

ClinVar aggregate classification (germline): Benign. Review status: criteria provided, multiple submitters, no conflicts (2 of 4 stars). 6 submissions from 6 submitters: Benign (6). Last evaluated 2026-02-02.

Conditions:
Erythrocytosis, familial, 4 (ECYT4). Identifiers: Orphanet 247511, MedGen C2673187, MONDO:0012729, OMIM 611783.

Allele frequency attached by ClinVar (database versions not stated): 1000 Genomes Project 0.00459; 1000 Genomes Project 30x 0.00468; TOPMed 0.00961; ExAC 0.00991; gnomAD exomes 0.01014 and 0.01407; gnomAD 0.01075; ESP Exome Variant Server 0.01153.
gnomAD v4.1: 21,978 of 1,614,164 alleles (1.4%); highest among the groups gnomAD compares: Non-Finnish European, 1.6%; 179 homozygotes.

Submissions (6):

Labcorp Genetics (formerly Invitae), Labcorp
Classification: Benign. Last evaluated: 2026-02-02. Review status: criteria provided, single submitter. Criteria: Invitae Variant Classification Sherloc (09022015). Collection method: clinical testing. Allele origin: germline.

ARUP Laboratories, Molecular Genetics and Genomics, ARUP Laboratories
Classification: Benign for Erythrocytosis, familial, 4. Last evaluated: 2025-07-22. Review status: criteria provided, single submitter. Criteria: ARUP Molecular Germline Variant Investigation Process 2024. Collection method: clinical testing. Allele origin: germline.

CeGaT Center for Human Genetics Tuebingen
Classification: Benign. Last evaluated: 2024-07-01. Review status: criteria provided, single submitter. Criteria: CeGaT Center For Human Genetics Tuebingen Variant Classification Criteria Version 2. Collection method: clinical testing. Allele origin: germline. Affected: yes. Observed: 17 variant alleles.
Comment: EPAS1: BP4, BP7, BS1, BS2

Mayo Clinic Laboratories, Mayo Clinic
Classification: Benign. Last evaluated: 2023-04-25. Review status: criteria provided, single submitter. Criteria: ACMG Guidelines, 2015. Collection method: clinical testing. Allele origin: germline. Observed: 8 variant alleles.
Comment: BS1, BS2, BP4, BP7

Illumina Laboratory Services, Illumina
Classification: Benign for Erythrocytosis, familial, 4. Last evaluated: 2018-01-13. Review status: criteria provided, single submitter. Criteria: ICSL Variant Classification Criteria 13 December 2019. Collection method: clinical testing. Allele origin: germline.
Comment: This variant was observed in the ICSL laboratory as part of a predisposition screen in an ostensibly healthy population. It had not been previously curated by ICSL or reported in the Human Gene Mutation Database (HGMD: prior to June 1st, 2018), and was therefore a candidate for classification through an automated scoring system. Utilizing variant allele frequency, disease prevalence and penetrance estimates, and inheritance mode, an automated score was calculated to assess if this variant is too frequent to cause the disease. Based on the score and internal cut-off values, a variant classified as benign is not then subjected to further curation. The score for this variant resulted in a classification of benign for this disease.

Breakthrough Genomics
Classification: Benign. Review status: criteria provided, single submitter. Criteria: ACMG Guidelines, 2015. Collection method: not provided. Allele origin: germline. Inheritance: Autosomal dominant inheritance. Affected: yes.

NM_001430.5(EPAS1):c.1833C>T (p.Ala611=)

Gene: EPAS1 (endothelial PAS domain protein 1; plus strand). Cytogenetic location: 2p21.
Variant type: single nucleotide variant.
Coding change: c.1833C>T on transcript NM_001430.5 (MANE Select); coding-DNA position 1833, C replaced by T.
Protein change: p.Ala611=; no amino-acid change (alanine 611 retained).
Molecular consequence: synonymous variant.
Genome position (GRCh38, 1-based): chr2:46,380,505, C>T. VCF-style: chr2-46380505-C-T. GRCh37 (hg19) VCF-style: chr2-46607644-C-T.
Other names: p.Ala611=.
Identifiers: ClinVar variation 336268 (VCV000336268.41), dbSNP rs41281469, ClinGen allele CA1645124.